The following is an entry in ClinVar:

NM_152866.3(MS4A1):c.755C>A (p.Thr252Lys)

Gene: MS4A1 (membrane spanning 4-domains A1; plus strand). Cytogenetic location: 11q12.2.
Variant type: single nucleotide variant.
Coding change: c.755C>A on transcript NM_152866.3 (MANE Select); coding-DNA position 755, C replaced by A.
Protein change: p.Thr252Lys; replaces threonine 252 with lysine.
Molecular consequence: missense variant.
Genome position (GRCh38, 1-based): chr11:60,468,329, C>A. VCF-style: chr11-60468329-C-A. GRCh37 (hg19) VCF-style: chr11-60235802-C-A.
Other names: c.755C>A, p.Thr252Lys (NM_152867.2, NM_021950.4); short protein forms T252K.
Identifiers: ClinVar variation 3698157 (VCV003698157.2).
Genomic context (GRCh38, chr11:60,468,329, plus strand): 5'-CAGAAGAAAAAAAAGAACAGACTATTGAAATAAAAGAAGAAGTGGTTGGGCTAACTGAAA[C>A]ATCTTCCCAACCAAAGAATGAAGAAGACATTGAAATTATTCCAATCCAAGAAGAGGAAGA-3'
Protein context (NP_690605.1, residues 242-262): IKEEVVGLTE[Thr252Lys]SSQPKNEEDI

ClinVar aggregate classification (germline): Uncertain significance (1 of 4 stars; one submission).

gnomAD v4.1: 2 of 1,613,784 alleles (0.00012%); highest among the groups gnomAD compares: Non-Finnish European, 0.000085%; no homozygotes.

Submission:

Labcorp Genetics (formerly Invitae), Labcorp
Classification: Uncertain significance. Last evaluated: 2024-07-27. Review status: criteria provided, single submitter. Criteria: Invitae Variant Classification Sherloc (09022015). Collection method: clinical testing. Allele origin: germline.
Comment: This sequence change replaces threonine, which is neutral and polar, with lysine, which is basic and polar, at codon 252 of the MS4A1 protein (p.Thr252Lys). This variant is not present in population databases (gnomAD no frequency). This variant has not been reported in the literature in individuals affected with MS4A1-related conditions. An algorithm developed to predict the effect of missense changes on protein structure and function (PolyPhen-2) suggests that this variant is likely to be tolerated. In summary, the available evidence is currently insufficient to determine the role of this variant in disease. Therefore, it has been classified as a Variant of Uncertain Significance.